The following is an entry in ClinVar:

NM_002103.5(GYS1):c.1754A>G (p.Gln585Arg)

Gene: GYS1 (glycogen synthase 1; minus strand). Cytogenetic location: 19q13.33.
Variant type: single nucleotide variant.
Coding change: c.1754A>G on transcript NM_002103.5 (MANE Select); coding-DNA position 1754, A replaced by G.
Protein change: p.Gln585Arg; replaces glutamine 585 with arginine.
Molecular consequence: missense variant. On other transcripts: non-coding transcript variant (1).
Genome position (GRCh38, 1-based): chr19:48,970,601, T>C on the plus strand (A>G on the coding strand, the complement: GYS1 is on the minus strand). VCF-style: chr19-48970601-T-C. GRCh37 (hg19) VCF-style: chr19-49473858-T-C.
Other names: c.1562A>G, p.Gln521Arg (NM_001161587.2); short protein forms Q521R, Q585R.
Identifiers: ClinVar variation 859569 (VCV000859569.8), dbSNP rs748471233, ClinGen allele CA9562849.
Genomic context (GRCh38, chr19:48,970,601, plus strand): 5'-CCTACCCGGCCTAGGTATTTCCAGTCCAGAAGGTCGGAGAGGCGCTCCGTGCGGTTCCGC[T>C]GGATGATACGCTGCCGCCGGCTCTGCTGACAGAAACTGTAGAGGAAGGAGGTGAGCTGCG-3'
Protein context (NP_002094.2, residues 575-595): CQQSRRQRII[Gln585Arg]RNRTERLSDL

ClinVar aggregate classification (germline): Uncertain significance. Review status: criteria provided, single submitter (1 of 4 stars). 2 submissions from 2 submitters: Uncertain significance (1). 1 of the submissions does not count toward it. Last evaluated 2022-10-17.

Conditions:
GYS1-related disorder. Also called: GYS1-related condition.
Glycogen storage disease due to muscle and heart glycogen synthase deficiency. Also called: GSD 0b; MUSCLE GLYCOGEN SYNTHASE DEFICIENCY. Identifiers: Orphanet 137625, MedGen C1969054, MONDO:0012693, OMIM 611556.

Allele frequency attached by ClinVar (database versions not stated): TOPMed 0.00002; gnomAD 0.00005; gnomAD exomes 0.00005 and 0.00010; ExAC 0.00009.
gnomAD v4.1: 76 of 1,613,784 alleles (0.0047%); highest among the groups gnomAD compares: Non-Finnish European, 0.0023%; no homozygotes.

Submissions (2):

Labcorp Genetics (formerly Invitae), Labcorp
Classification: Uncertain significance for Glycogen storage disease due to muscle and heart glycogen synthase deficiency. Last evaluated: 2022-10-17. Review status: criteria provided, single submitter. Criteria: Invitae Variant Classification Sherloc (09022015). Collection method: clinical testing. Allele origin: germline.
Comment: This sequence change replaces glutamine, which is neutral and polar, with arginine, which is basic and polar, at codon 585 of the GYS1 protein (p.Gln585Arg). This variant is present in population databases (rs748471233, gnomAD 0.2%). This variant has not been reported in the literature in individuals affected with GYS1-related conditions. ClinVar contains an entry for this variant (Variation ID: 859569). Advanced modeling of protein sequence and biophysical properties (such as structural, functional, and spatial information, amino acid conservation, physicochemical variation, residue mobility, and thermodynamic stability) performed at Invitae indicates that this missense variant is not expected to disrupt GYS1 protein function. In summary, the available evidence is currently insufficient to determine the role of this variant in disease. Therefore, it has been classified as a Variant of Uncertain Significance.

PreventionGenetics, part of Exact Sciences
Classification: Likely benign for GYS1-related condition. Last evaluated: 2022-06-21. Review status: no assertion criteria provided. Collection method: clinical testing. Allele origin: germline. Not counted in ClinVar's aggregate classification.
Comment: This variant is classified as likely benign based on ACMG/AMP sequence variant interpretation guidelines (Richards et al. 2015 PMID: 25741868, with internal and published modifications).